The following is an entry in ClinVar:

ClinVar aggregate classification (germline): Benign. Review status: criteria provided, multiple submitters, no conflicts (2 of 4 stars). 5 submissions from 5 submitters: Benign (5). Last evaluated 2026-02-04.

Conditions:
Duchenne muscular dystrophy (DMD). Also called: Duchenne Muscular Dystrophy (DMD); MUSCULAR DYSTROPHY, PSEUDOHYPERTROPHIC PROGRESSIVE, DUCHENNE TYPE. Identifiers: Orphanet 98896, MedGen C0013264, MONDO:0010679, OMIM 310200.

Allele frequency attached by ClinVar (database versions not stated): 1000 Genomes Project 0.25166; gnomAD exomes 0.27176 and 1.00000; TOPMed 0.32073; ESP Exome Variant Server 0.34978; 1000 Genomes Project 30x 0.25515; ExAC 0.27893; gnomAD 0.99999.

Submissions (5):

Labcorp Genetics (formerly Invitae), Labcorp
Classification: Benign for Duchenne muscular dystrophy. Last evaluated: 2026-02-04. Review status: criteria provided, single submitter. Criteria: Invitae Variant Classification Sherloc (09022015). Collection method: clinical testing. Allele origin: germline.

Molecular Diagnostic Laboratory for Inherited Cardiovascular Disease, Montreal Heart Institute
Classification: Benign. Last evaluated: 2025-04-09. Review status: criteria provided, single submitter. Criteria: ACMG Guidelines, 2015. Collection method: clinical testing. Allele origin: germline. Affected: no.

Athena Diagnostics
Classification: Benign. Last evaluated: 2021-04-26. Review status: criteria provided, single submitter. Criteria: Athena Diagnostics Criteria. Collection method: clinical testing. Allele origin: unknown.

Women's Health and Genetics/Laboratory Corporation of America, LabCorp
Classification: Benign. Last evaluated: 2018-07-19. Review status: criteria provided, single submitter. Criteria: LabCorp Variant Classification Summary - May 2015. Collection method: clinical testing. Allele origin: germline.

GeneDx
Classification: Benign. Last evaluated: 2013-11-14. Review status: criteria provided, single submitter. Criteria: GeneDx Variant Classification (06012015). Collection method: clinical testing. Allele origin: germline. Affected: yes.
Comment: This variant is considered likely benign or benign based on one or more of the following criteria: it is a conservative change, it occurs at a poorly conserved position in the protein, it is predicted to be benign by multiple in silico algorithms, and/or has population frequency not consistent with disease.

NM_004006.3(DMD):c.2645= (p.Asp882=)

Gene: DMD (dystrophin; minus strand). Cytogenetic location: Xp21.1.
Variant type: single nucleotide variant.
Coding change: c.2645= on transcript NM_004006.3 (MANE Select); coding-DNA position 2645, no change from the reference sequence.
Protein change: p.Asp882=; no amino-acid change (aspartic acid 882 retained).
Molecular consequence: no sequence alteration. On other transcripts: missense variant (2).
Genome position: GRCh38 VCF-style: chrX-32485077-T-T. GRCh37 (hg19) VCF-style: chrX-32503194-T-T.
Other names: p.G882D:GGT>GAT; c.2621=, p.Asp874= (NM_000109.4); c.2633G>A, p.Gly878Asp (NM_004009.3); c.2276G>A, p.Gly759Asp (NM_004010.3); short protein forms G759D, G878D.
Identifiers: ClinVar variation 137117 (VCV000137117.54), dbSNP rs228406.